The following is an entry in ClinVar:

NM_001009999.3(KDM1A):c.868A>T (p.Ile290Leu)

Gene: KDM1A (lysine demethylase 1A; plus strand). Cytogenetic location: 1p36.12.
Variant type: single nucleotide variant.
Coding change: c.868A>T on transcript NM_001009999.3 (MANE Select); coding-DNA position 868, A replaced by T.
Protein change: p.Ile290Leu; replaces isoleucine 290 with leucine.
Molecular consequence: missense variant.
Genome position (GRCh38, 1-based): chr1:23,055,146, A>T. VCF-style: chr1-23055146-A-T. GRCh37 (hg19) VCF-style: chr1-23381639-A-T.
Other names: c.808A>T, p.Ile270Leu (NM_001363654.2, NM_001410763.1, NM_015013.4); c.868A>T, p.Ile290Leu (NM_001410762.1); short protein forms I270L, I290L.
Identifiers: ClinVar variation 5023045 (VCV005023045.1).
Genomic context (GRCh38, chr1:23,055,146, plus strand): 5'-CACCGAGTTCACAGTTATTTAGAGCGTCATGGTCTTATCAACTTCGGCATCTATAAGAGG[A>T]TAAAACCCCTACCAAGTAAGGACCTCCTACCTGGCTGATAAATTTTACATTTTTAAGTTA-3'
Protein context (NP_001009999.1, residues 280-300): GLINFGIYKR[Ile290Leu]KPLPTKKTGK

ClinVar aggregate classification (germline): Uncertain significance (1 of 4 stars; one submission).

Conditions:
Inborn genetic diseases. Identifiers: MedGen C0950123, MeSH D030342.

gnomAD v4.1: 2 of 1,607,370 alleles (0.00012%); highest among the groups gnomAD compares: Admixed American, 0.0017%; no homozygotes.

Submission:

Ambry Genetics
Classification: Uncertain significance for Inborn genetic diseases. Last evaluated: 2026-06-18. Review status: criteria provided, single submitter. Criteria: Ambry Variant Classification Scheme 2023. Collection method: clinical testing. Allele origin: germline.
Comment: The p.I290L variant (also known as c.868A>T), located in coding exon 6 of the KDM1A gene, results from an A to T substitution at nucleotide position 868. The isoleucine at codon 290 is replaced by leucine, an amino acid with highly similar properties. This amino acid position is conserved. In addition, this alteration is predicted to be tolerated by in silico analysis. Based on the available evidence, the clinical significance of this variant remains unclear.